The following is an entry in ClinVar:

NM_004304.5(ALK):c.1375C>G (p.Gln459Glu)

Gene: ALK (ALK receptor tyrosine kinase; minus strand). Cytogenetic location: 2p23.2.
Variant type: single nucleotide variant.
Coding change: c.1375C>G on transcript NM_004304.5 (MANE Select); coding-DNA position 1375, C replaced by G.
Protein change: p.Gln459Glu; replaces glutamine 459 with glutamic acid.
Molecular consequence: missense variant.
Genome position (GRCh38, 1-based): chr2:29,328,389, G>C on the plus strand (C>G on the coding strand, the complement: ALK is on the minus strand). VCF-style: chr2-29328389-G-C. GRCh37 (hg19) VCF-style: chr2-29551255-G-C.
Other names: c.1375C>G (NM_004304.4); short protein forms Q459E.
Identifiers: ClinVar variation 1002636 (VCV001002636.11), dbSNP rs1466204048, ClinGen allele CA346474198.

ClinVar aggregate classification (germline): Conflicting classifications of pathogenicity. Review status: criteria provided, conflicting classifications (1 of 4 stars). 3 submissions from 3 submitters: Uncertain significance (2); Benign (1). Last evaluated 2025-07-15.

Conditions:
Hereditary cancer-predisposing syndrome. Also called: Hereditary neoplastic syndrome; Neoplastic Syndromes, Hereditary; Tumor predisposition; Hereditary Cancer Syndrome. Identifiers: Orphanet 140162, MedGen C0027672, MeSH D009386, MONDO:0015356.
Neuroblastoma, susceptibility to, 3. Also called: ALK-Related Neuroblastic Tumor Susceptibility. Identifiers: Orphanet 635, MedGen C2751681, MONDO:0013083, OMIM 613014.
Ovarian cancer. Also called: OVARIAN CANCER, SOMATIC. Identifiers: Orphanet 213500, MedGen C1140680, MONDO:0008170, OMIM 167000.

Allele frequency attached by ClinVar (database versions not stated): TOPMed below 0.00001.
gnomAD v4.1: 1 of 1,614,148 alleles (0.000062%); highest among the groups gnomAD compares: East Asian, 0.0022%; no homozygotes.

Submissions (3):

Ambry Genetics
Classification: Uncertain significance for Hereditary cancer-predisposing syndrome. Last evaluated: 2025-07-15. Review status: criteria provided, single submitter. Criteria: Ambry Variant Classification Scheme 2023. Collection method: clinical testing. Allele origin: germline.
Comment: The p.Q459E variant (also known as c.1375C>G), located in coding exon 6 of the ALK gene, results from a C to G substitution at nucleotide position 1375. The glutamine at codon 459 is replaced by glutamic acid, an amino acid with highly similar properties. This amino acid position is not well conserved in available vertebrate species. In addition, this alteration is predicted to be tolerated by in silico analysis. Based on the available evidence, the clinical significance of this variant remains unclear.

Labcorp Genetics (formerly Invitae), Labcorp
Classification: Uncertain significance for Neuroblastoma, susceptibility to, 3. Last evaluated: 2023-08-24. Review status: criteria provided, single submitter. Criteria: Invitae Variant Classification Sherloc (09022015). Collection method: clinical testing. Allele origin: germline.
Comment: This variant is not present in population databases (gnomAD no frequency). In summary, the available evidence is currently insufficient to determine the role of this variant in disease. Therefore, it has been classified as a Variant of Uncertain Significance. An algorithm developed to predict the effect of missense changes on protein structure and function (PolyPhen-2) suggests that this variant is likely to be tolerated. ClinVar contains an entry for this variant (Variation ID: 1002636). This variant has not been reported in the literature in individuals affected with ALK-related conditions. This sequence change replaces glutamine, which is neutral and polar, with glutamic acid, which is acidic and polar, at codon 459 of the ALK protein (p.Gln459Glu).

Laboratory of Molecular Epidemiology of Birth Defects, West China Second University Hospital, Sichuan University
Classification: Benign for Ovarian cancer. Last evaluated: 2022-01-01. Review status: criteria provided, single submitter. Criteria: ACMG Guidelines, 2015. Collection method: clinical testing. Allele origin: germline. Affected: yes.